The following is an entry in ClinVar:

ClinVar aggregate classification (germline): Uncertain significance (1 of 4 stars; one submission).

Conditions:
Peutz-Jeghers syndrome (PJS). Also called: Peutz-Jeghers polyposis; Periorificial lentiginosis syndrome; POLYPOSIS, HAMARTOMATOUS INTESTINAL; POLYPS-AND-SPOTS SYNDROME. Identifiers: Orphanet 2869, MedGen C0031269, MeSH D010580, MONDO:0008280, OMIM 175200.

gnomAD v4.1: 1 of 1,594,612 alleles (0.000063%); highest among the groups gnomAD compares: Non-Finnish European, 0.000085%; no homozygotes.

Submission:

Labcorp Genetics (formerly Invitae), Labcorp
Classification: Uncertain significance for Peutz-Jeghers syndrome. Last evaluated: 2024-07-03. Review status: criteria provided, single submitter. Criteria: Invitae Variant Classification Sherloc (09022015). Collection method: clinical testing. Allele origin: germline.
Comment: This sequence change replaces aspartic acid, which is acidic and polar, with valine, which is neutral and non-polar, at codon 207 of the STK11 protein (p.Asp207Val). This variant is not present in population databases (gnomAD no frequency). This variant has not been reported in the literature in individuals affected with STK11-related conditions. ClinVar contains an entry for this variant (Variation ID: 2003166). Advanced modeling of protein sequence and biophysical properties (such as structural, functional, and spatial information, amino acid conservation, physicochemical variation, residue mobility, and thermodynamic stability) has been performed at Invitae for this missense variant, however the output from this modeling did not meet the statistical confidence thresholds required to predict the impact of this variant on STK11 protein function. In summary, the available evidence is currently insufficient to determine the role of this variant in disease. Therefore, it has been classified as a Variant of Uncertain Significance.

NM_000455.5(STK11):c.620A>T (p.Asp207Val)

Gene: STK11 (serine/threonine kinase 11; plus strand). Cytogenetic location: 19p13.3.
Variant type: single nucleotide variant.
Coding change: c.620A>T on transcript NM_000455.5 (MANE Select); coding-DNA position 620, A replaced by T.
Protein change: p.Asp207Val; replaces aspartic acid 207 with valine.
Molecular consequence: missense variant.
Genome position (GRCh38, 1-based): chr19:1,220,603, A>T. VCF-style: chr19-1220603-A-T. GRCh37 (hg19) VCF-style: chr19-1220602-A-T.
Other names: c.620A>T, p.Asp207Val (NM_001407255.1); short protein forms D207V.
Identifiers: ClinVar variation 2003166 (VCV002003166.4), dbSNP rs1555738370, ClinGen allele CA402949475.